The following is an entry in ClinVar:

NM_002691.4(POLD1):c.3321G>C (p.Trp1107Cys)

Gene: POLD1 (DNA polymerase delta 1, catalytic subunit; plus strand). Cytogenetic location: 19q13.33.
Variant type: single nucleotide variant.
Coding change: c.3321G>C on transcript NM_002691.4 (MANE Select); coding-DNA position 3321, G replaced by C.
Protein change: p.Trp1107Cys; replaces tryptophan 1107 with cysteine.
Molecular consequence: missense variant. On other transcripts: non-coding transcript variant (1).
Genome position (GRCh38, 1-based): chr19:50,417,944, G>C. VCF-style: chr19-50417944-G-C. GRCh37 (hg19) VCF-style: chr19-50921201-G-C.
Other names: c.3321G>C, p.Trp1107Cys (NM_001256849.1); c.3399G>C, p.Trp1133Cys (NM_001308632.1); c.3321G>C (NM_002691.2); short protein forms W1107C, W1133C.
Identifiers: ClinVar variation 239342 (VCV000239342.13), dbSNP rs745737815, ClinGen allele CA9596847.

ClinVar aggregate classification (germline): Conflicting classifications of pathogenicity. Review status: criteria provided, conflicting classifications (1 of 4 stars). 5 submissions from 5 submitters: Uncertain significance (4); Likely benign (1). Last evaluated 2025-12-18.

Conditions:
Hereditary cancer-predisposing syndrome. Also called: Hereditary Cancer Syndrome; Neoplastic Syndromes, Hereditary; Hereditary neoplastic syndrome; Tumor predisposition. Identifiers: Orphanet 140162, MedGen C0027672, MeSH D009386, MONDO:0015356.
POLD1-related polyposis and colorectal cancer syndrome (CRCS10). Also called: COLORECTAL CANCER, SUSCEPTIBILITY TO, ON CHROMOSOME 19q; Colorectal cancer 10; Colorectal cancer, susceptibility to, 10. Identifiers: Orphanet 220460, MedGen C2675481, MONDO:0012953, OMIM 612591.
Polymerase proofreading-related adenomatous polyposis. Also called: Polymerase proofreading associated polyposis; Polymerase proofreading–associated polyposis (PPAP). Identifiers: Orphanet 447877, MedGen C5202613, MONDO:0018653.

Allele frequency attached by ClinVar (database versions not stated): gnomAD 0.00001; gnomAD exomes 0.00001 and 0.00003; TOPMed 0.00003; ExAC 0.00009.
gnomAD v4.1: 16 of 1,600,806 alleles (0.001%); highest among the groups gnomAD compares: Admixed American, 0.02%; no homozygotes.

Submissions (5):

Labcorp Genetics (formerly Invitae), Labcorp
Classification: Uncertain significance for POLD1-related polyposis and colorectal cancer syndrome. Last evaluated: 2025-12-18. Review status: criteria provided, single submitter. Criteria: Invitae Variant Classification Sherloc (09022015). Collection method: clinical testing. Allele origin: germline.
Comment: This sequence change replaces tryptophan, which is neutral and slightly polar, with cysteine, which is neutral and slightly polar, at codon 1107 of the POLD1 protein (p.Trp1107Cys). This variant is present in population databases (rs745737815, gnomAD 0.02%). This variant has not been reported in the literature in individuals affected with POLD1-related conditions. ClinVar contains an entry for this variant (Variation ID: 239342). An algorithm developed to predict the effect of missense changes on protein structure and function (PolyPhen-2) suggests that this variant is likely to be disruptive. In summary, the available evidence is currently insufficient to determine the role of this variant in disease. Therefore, it has been classified as a Variant of Uncertain Significance.

Ambry Genetics
Classification: Likely benign for Hereditary cancer-predisposing syndrome. Last evaluated: 2024-10-17. Review status: criteria provided, single submitter. Criteria: Ambry Variant Classification Scheme 2023. Collection method: clinical testing. Allele origin: germline.

Blueprint Genetics
Classification: Uncertain significance. Last evaluated: 2023-09-28. Review status: criteria provided, single submitter. Criteria: ACMG Guidelines, 2015. Collection method: clinical testing. Allele origin: germline.

Quest Diagnostics Nichols Institute San Juan Capistrano
Classification: Uncertain significance. Last evaluated: 2019-04-13. Review status: criteria provided, single submitter. Criteria: Quest Diagnostics criteria. Collection method: clinical testing. Allele origin: germline.

GeneDx
Classification: Uncertain significance. Last evaluated: 2019-01-04. Review status: criteria provided, single submitter. Criteria: GeneDx Variant Classification (06012015). Collection method: clinical testing. Allele origin: germline. Affected: yes.
Comment: This variant is denoted POLD1 c.3321G>C at the cDNA level, p.Trp1107Cys (W1107C) at the protein level, and results in the change of a Tryptophan to a Cysteine (TGG>TGC). This variant has not, to our knowledge, been published in the literature as a germline variant; however, it has been reported as a somatic variant in an unspecified type of cancer (Campbell 2017). POLD1 Trp1107Cys was not observed at a significant allele frequency in large population cohorts (Lek 2016). Since Tryptophan and Cysteine differ in polarity, charge, size or other properties, this is considered a non-conservative amino acid substitution. POLD1 Trp1107Cys is not located in a known functional domain. In-silico analyses, including protein predictors and evolutionary conservation, support a deleterious effect. Based on currently available evidence, it is unclear whether POLD1 Trp1107Cys is a pathogenic or benign variant. We consider it to be a variant of uncertain significance.